The following is an entry in ClinVar:

ClinVar aggregate classification (germline): Pathogenic/Likely pathogenic. Review status: criteria provided, multiple submitters, no conflicts (2 of 4 stars). 17 submissions from 17 submitters: Pathogenic (2); Likely pathogenic (12). 3 of the submissions do not count toward it. Last evaluated 2026-09-25.

Conditions:
Familial ovarian cancer. Identifiers: MedGen C5679802, MONDO:0016248.
BRIP1-related disorder. Also called: BRIP1-related condition; BRIP1-related disorders. Identifiers: MedGen CN239206.
Diffuse intrinsic pontine glioma. Identifiers: Orphanet 497188, MedGen C2986658, MONDO:0006033.
Fanconi anemia complementation group J. Also called: BRIP1-Related Fanconi Anemia. Identifiers: Orphanet 84, MedGen C1836860, MONDO:0012187, OMIM 609054.
Familial cancer of breast. Also called: BREAST CANCER, FAMILIAL; Hereditary breast cancer; hereditary breast carcinoma. Identifiers: Orphanet 227535, MedGen C0346153, MONDO:0016419, OMIM 114480. Disease mechanism: loss of function.
Hereditary cancer-predisposing syndrome. Also called: Hereditary neoplastic syndrome; Tumor predisposition; Hereditary Cancer Syndrome; Neoplastic Syndromes, Hereditary. Identifiers: Orphanet 140162, MedGen C0027672, MeSH D009386, MONDO:0015356.
Hereditary breast ovarian cancer syndrome. Also called: Breast and ovarian cancer; Hereditary breast and/or ovarian cancer syndrome; BRCA1- and BRCA2-Associated Hereditary Breast and Ovarian Cancer; Hereditary breast and ovarian cancer syndrome; Hereditary breast and ovarian cancer; Hereditary breast and ovarian cancer syndrome (HBOC). Identifiers: Orphanet 145, MedGen C0677776, MeSH D061325, MONDO:0003582. Disease mechanism: loss of function.

Allele frequency attached by ClinVar (database versions not stated): ExAC 0.00002; gnomAD exomes 0.00002; TOPMed 0.00002; gnomAD 0.00004; ESP Exome Variant Server 0.00008.
gnomAD v4.1: 55 of 1,613,812 alleles (0.0034%); highest among the groups gnomAD compares: African/African-American, 0.008%; no homozygotes.

Submissions 1 to 6 of 17:

PreventionGenetics, part of Exact Sciences
Classification: Likely pathogenic for BRIP1-related condition. Last evaluated: 2026-09-25. Review status: criteria provided, single submitter. Criteria: ACMG Guidelines, 2015. Collection method: clinical testing. Allele origin: germline.
Comment: The BRIP1 c.1045G>C variant is predicted to result in the amino acid substitution p.Ala349Pro. This variant has been reported in individuals with ovarian cancer (see for example - Kanchi et al. 2014. PubMed ID: 24448499; Table S1, Carter et al. 2018. PubMed ID: 30322717; Table S2, Zhu et al. 2020. PubMed ID: 31265121). It has also been reported in the compound heterozygous state in an individual with Fanconi anemia who had an additional nonsense variant in BRIP1 (c.2533C>T, p.Arg798* in Levran et al. 2005. PubMed ID: 16116424). Experimental studies indicate that this variant impacts protein function (Rudolf et al. 2006. PubMed ID: 16973432; Wu et al. 2009. PubMed ID: 19519404; Guo et al. 2016. PubMed ID: 27107905; Sommers et al. 2014. PubMed ID: 24895130; Moyer et al. 2019. PubMed ID: 31822495). It is reported in 0.012% of alleles in individuals of African descent in gnomAD and is interpreted as likely pathogenic and pathogenic in ClinVar (Variation ID: 30535). This variant is interpreted as likely pathogenic.

Labcorp Genetics (formerly Invitae), Labcorp
Classification: Likely pathogenic for Familial cancer of breast; Fanconi anemia complementation group J. Last evaluated: 2026-01-28. Review status: criteria provided, single submitter. Criteria: Invitae Variant Classification Sherloc (09022015). Collection method: clinical testing. Allele origin: germline.
Comment: This sequence change replaces alanine, which is neutral and non-polar, with proline, which is neutral and non-polar, at codon 349 of the BRIP1 protein (p.Ala349Pro). This variant is present in population databases (rs149364097, gnomAD 0.008%). This missense change has been observed in individual(s) with breast, ovarian or prostate cancer and/or Fanconia anemia (PMID: 16116424, 24448499, 30322717, 31822495, 34585738, 36446039). In at least one individual the data is consistent with being in trans (on the opposite chromosome) from a pathogenic variant. This variant is also known as c.1186G>C. ClinVar contains an entry for this variant (Variation ID: 30535). Invitae Evidence Modeling of protein sequence and biophysical properties (such as structural, functional, and spatial information, amino acid conservation, physicochemical variation, residue mobility, and thermodynamic stability) has been performed for this missense variant. However, the output from this modeling did not meet the statistical confidence thresholds required to predict the impact of this variant on BRIP1 protein function. Experimental studies have shown that this missense change affects BRIP1 function (PMID: 16973432, 20639400, 27107905, 33619228). In summary, the currently available evidence indicates that the variant is pathogenic, but additional data are needed to prove that conclusively. Therefore, this variant has been classified as Likely Pathogenic.

Myriad Genetics, Inc.
Classification: Likely pathogenic for Familial ovarian cancer. Last evaluated: 2025-10-06. Review status: criteria provided, single submitter. Criteria: Myriad Autosomal Dominant, Autosomal Recessive and X-Linked Classification Criteria (2023). Collection method: clinical testing. Allele origin: unknown.
Comment: This variant is considered likely pathogenic. Functional studies indicate this variant impacts protein function [PMID: 20639400]. This variant has been reported in an individual with clinical features of gene-specific disease [PMID: 16116424].

Women's Health and Genetics/Laboratory Corporation of America, LabCorp
Classification: Pathogenic for Hereditary breast ovarian cancer syndrome. Last evaluated: 2025-07-10. Review status: criteria provided, single submitter. Criteria: LabCorp Variant Classification Summary - May 2015. Collection method: clinical testing. Allele origin: germline.
Comment: Variant summary: BRIP1 c.1045G>C (p.Ala349Pro) results in a non-conservative amino acid change in the encoded protein sequence. Algorithms developed to predict the effect of missense changes on protein structure and function are either unavailable or do not agree on the potential impact of this missense change. The variant allele was found at a frequency of 2.3e-05 in 263562 control chromosomes. c.1045G>C has been observed in multiple individuals affected with breast and/or ovarian cancer (e.g. Kanchi_2014, Carter_2018, Zhu_2019, Moyer_2019, Flaum_2022) and at least one individual with prostate cancer (Trendowski_2022). In addition, this variant has been reported in the compound heterozygous state with another pathogenic BRIP1 variant (p.R798X) in an individual affected with Fanconi anemia (Levran_2005). . These data indicate that the variant is very likely to be associated with disease. A case-control study has also reported the variant to be associated with significantly increased risk of breast cancer and epithelial ovarian cancer (OR = 37.7; 95% CI 5.3-444.2, P=0.0001; Flaum_2022). Multiple functional studies report the A349P variant affects protein function based on abolished helicase activity, DNA binding activity, translocase activity and effects of MMC on chromosome fragmentation, cell viability, and cell cycle, but has normal protein stability (Rudolf_2006, Wu_2009, Guo_2016, Sommers_2014, Moyer_2019, Odermatt_2020). The following publications have been ascertained in the context of this evaluation (PMID: 31341520, 24728327, 30322717, 34585738, 27107905, 24448499, 16116424, 26689913, 31822495, 28911102, 32542039, 26315354, 16973432, 24895130, 36446039, 20639400, 31265121). ClinVar contains an entry for this variant (Variation ID: 30535). Based on the evidence outlined above, the variant was classified as pathogenic.

Molecular Pathology, Peter Maccallum Cancer Centre
Classification: Likely pathogenic for Familial ovarian cancer. Last evaluated: 2025-03-13. Review status: criteria provided, single submitter. Criteria: ACMG Guidelines, 2015. Collection method: clinical testing. Allele origin: germline. Inheritance: Autosomal dominant inheritance.

Color Diagnostics, LLC DBA Color Health
Classification: Pathogenic for Hereditary cancer-predisposing syndrome. Last evaluated: 2025-03-11. Review status: criteria provided, single submitter. Criteria: ACMG Guidelines, 2015. Collection method: clinical testing. Allele origin: germline.
Comment: This missense variant replaces alanine with proline at codon 349 of the BRIP1 protein. Computational prediction is inconclusive regarding the impact of this variant on protein structure and function. Functional studies have reported this variant as a dominant negative mutation, with the mutant protein exhibiting defective helicase activity and impaired response to DNA damaging agent (PMID: 16973432, 20639400, 20980836, 23935105, 24895130, 27107905, 31822495). This variant has also been reported in at least nine individuals affected with ovarian cancer (PMID: 24448499, 30322717, 31265121, 31341520, 31822495, 34585738) and five individuals affected with breast cancer (PMID: 33471991, 34585738). This variant has been reported in compound heterozygosity with a pathogenic truncation variant in an individual affected with Fanconi anemia (PMID: 16116426). This variant has been identified in 5/282726 chromosomes in the general population by the Genome Aggregation Database (gnomAD). Based on the available evidence, this variant is classified as Pathogenic.

NM_032043.3(BRIP1):c.1045G>C (p.Ala349Pro)

Gene: BRIP1 (BRCA1 interacting DNA helicase 1; minus strand). Cytogenetic location: 17q23.2.
Variant type: single nucleotide variant.
Coding change: c.1045G>C on transcript NM_032043.3 (MANE Select); coding-DNA position 1045, G replaced by C.
Protein change: p.Ala349Pro; replaces alanine 349 with proline.
Molecular consequence: missense variant.
Genome position (GRCh38, 1-based): chr17:61,801,348, C>G on the plus strand (G>C on the coding strand, the complement: BRIP1 is on the minus strand). VCF-style: chr17-61801348-C-G. GRCh37 (hg19) VCF-style: chr17-59878709-C-G.
Other names: short protein forms A349P.
Identifiers: ClinVar variation 30535 (VCV000030535.46), dbSNP rs149364097, ClinGen allele CA157735.